The following is an entry in ClinVar:

ClinVar aggregate classification (germline): Benign. Review status: criteria provided, multiple submitters, no conflicts (2 of 4 stars). 2 submissions from 2 submitters: Benign (2). Last evaluated 2018-06-14.

Allele frequency attached by ClinVar (database versions not stated): ESP Exome Variant Server 0.23781; TOPMed 0.25811; gnomAD 0.26323 and 0.26997; 1000 Genomes Project 30x 0.28982; 1000 Genomes Project 0.29533; gnomAD exomes 0.30401 and 0.32103; ExAC 0.31113.
gnomAD v4.1: 482,586 of 1,607,822 alleles (30%); highest among the groups gnomAD compares: Admixed American, 40%; 75,591 homozygotes.

Submissions (2):

GeneDx
Classification: Benign. Last evaluated: 2018-06-14. Review status: criteria provided, single submitter. Criteria: GeneDx Variant Classification (06012015). Collection method: clinical testing. Allele origin: germline. Affected: yes.
Comment: This variant is considered likely benign or benign based on one or more of the following criteria: it is a conservative change, it occurs at a poorly conserved position in the protein, it is predicted to be benign by multiple in silico algorithms, and/or has population frequency not consistent with disease.

Breakthrough Genomics
Classification: Benign. Review status: criteria provided, single submitter. Criteria: ACMG Guidelines, 2015. Collection method: not provided. Allele origin: germline. Inheritance: Autosomal recessive inheritance. Affected: yes.

NM_002615.7(SERPINF1):c.787-33A>G

Gene: SERPINF1 (serpin family F member 1; plus strand). Cytogenetic location: 17p13.3.
Variant type: single nucleotide variant.
Coding change: c.787-33A>G on transcript NM_002615.7 (MANE Select); 33 bases into the intron before coding-DNA position 787, A replaced by G.
Molecular consequence: intron variant.
Genome position (GRCh38, 1-based): chr17:1,776,499, A>G. VCF-style: chr17-1776499-A-G. GRCh37 (hg19) VCF-style: chr17-1679793-A-G.
Other names: c.226-33A>G (NM_001329904.2, NM_001329905.2); c.787-33A>G (NM_001329903.2).
Identifiers: ClinVar variation 674947 (VCV000674947.2), dbSNP rs2071021, ClinGen allele CA8274859.